The following is an entry in ClinVar:

ClinVar aggregate classification (germline): Likely benign. Review status: reviewed by expert panel (3 of 4 stars). 15 submissions from 15 submitters: Likely benign (1). 14 of the submissions do not count toward it. Last evaluated 2017-04-18.

Conditions:
SOS1-related disorder. Also called: SOS1-related condition.
Noonan syndrome and Noonan-related syndrome. Identifiers: Orphanet 98733, MedGen C5681679, MONDO:0020297.
Cardiovascular phenotype. Identifiers: MedGen CN230736.
Fibromatosis, gingival, 1 (GINGF1). Identifiers: Orphanet 2024, MedGen C4551558, MONDO:0007609, OMIM 135300.
Noonan syndrome 4 (NS4). Also called: NOONAN SYNDROME WITH PIGMENTED VILLONODULAR SYNOVITIS; SOS1-Related Noonan Syndrome. Identifiers: Orphanet 648, MedGen C1853120, MONDO:0012547, OMIM 610733.
RASopathy. Also called: rasopathies; Noonan spectrum disorder. Identifiers: Orphanet 536391, MedGen C5555857, MONDO:0021060.
Noonan syndrome 1 (NS1). Also called: FEMALE PSEUDO-TURNER SYNDROME; TURNER PHENOTYPE WITH NORMAL KARYOTYPE; PTPN11-Related Noonan Syndrome. Identifiers: Orphanet 648, MedGen C4551602, MONDO:0008104, OMIM 163950. Disease mechanism: gain of function.

Allele frequency attached by ClinVar (database versions not stated): ExAC 0.00032; gnomAD exomes 0.00033 and 0.00020; ESP Exome Variant Server 0.00015; gnomAD 0.00018 and 0.00019; TOPMed 0.00020.
gnomAD v4.1: 322 of 1,613,712 alleles (0.02%); highest among the groups gnomAD compares: Middle Eastern, 0.16%; 1 homozygote.

Submissions (15):

ClinGen RASopathy Variant Curation Expert Panel
Classification: Likely benign for Noonan syndrome and Noonan-related syndrome. Last evaluated: 2017-04-18. Review status: reviewed by expert panel. Criteria: ClinGen RASopathy ACMG Specifications v1. Collection method: curation. Allele origin: germline. Inheritance: Autosomal dominant inheritance.
Comment: The filtering allele frequency of the c.1705C>G (p.Leu569Val) variant in the SOS1 gene is 0.0336% (31/66714) of European chromosomes by the Exome Aggregation Consortium, which is a high enough frequency to be classified as likely benign based on thresholds defined by the ClinGen RASopathy Expert Panel (BS1; PMID:29493581)

Labcorp Genetics (formerly Invitae), Labcorp
Classification: Benign for RASopathy. Last evaluated: 2026-01-06. Review status: criteria provided, single submitter. Criteria: Invitae Variant Classification Sherloc (09022015). Collection method: clinical testing. Allele origin: germline. Not counted in ClinVar's aggregate classification.

CeGaT Center for Human Genetics Tuebingen
Classification: Likely benign. Last evaluated: 2025-12-01. Review status: criteria provided, single submitter. Criteria: CeGaT Center For Human Genetics Tuebingen Variant Classification Criteria Version 2. Collection method: clinical testing. Allele origin: germline. Affected: yes. Observed: 1 variant allele. Not counted in ClinVar's aggregate classification.
Comment: SOS1: BS1

Blueprint Genetics
Classification: Likely benign. Last evaluated: 2024-11-13. Review status: criteria provided, single submitter. Criteria: ACMG Guidelines, 2015. Collection method: clinical testing. Allele origin: germline. Not counted in ClinVar's aggregate classification.

Ambry Genetics
Classification: Likely benign for Cardiovascular phenotype. Last evaluated: 2022-05-31. Review status: criteria provided, single submitter. Criteria: Ambry Variant Classification Scheme 2023. Collection method: clinical testing. Allele origin: germline. Not counted in ClinVar's aggregate classification.

Genome Diagnostics Laboratory, The Hospital for Sick Children
Classification: Likely benign for Noonan syndrome and Noonan-related syndrome. Last evaluated: 2019-11-01. Review status: criteria provided, single submitter. Criteria: ACMG Guidelines, 2015. Collection method: clinical testing. Allele origin: germline. Not counted in ClinVar's aggregate classification.

Mendelics
Classification: Likely benign for Noonan syndrome 1. Last evaluated: 2019-05-28. Review status: criteria provided, single submitter. Criteria: Mendelics Assertion Criteria 2017. Collection method: clinical testing. Allele origin: unknown. Not counted in ClinVar's aggregate classification.

Athena Diagnostics
Classification: Uncertain significance. Last evaluated: 2016-07-05. Review status: criteria provided, single submitter. Criteria: Athena Diagnostics Criteria. Collection method: clinical testing. Allele origin: germline. Not counted in ClinVar's aggregate classification.

Laboratory for Molecular Medicine, Mass General Brigham Personalized Medicine
Classification: Likely benign. Last evaluated: 2015-12-16. Review status: criteria provided, single submitter. Criteria: LMM Criteria. Collection method: clinical testing. Allele origin: germline. Observed: 1 variant allele. Not counted in ClinVar's aggregate classification.
Comment: p.Leu569Val in exon 10 of SOS1: This variant is not expected to have clinical s ignificance because it has been identified in 31/66714 European chromosomes and 6/16504 South Asian chromosomes by the Exome Aggregation Consortium (ExAC; dbSNP rs200786705). It has also been reported in 1 u naffected adult in the homozygous state (Lepri 2011).

GeneDx
Classification: Benign. Last evaluated: 2015-03-03. Review status: criteria provided, single submitter. Criteria: GeneDx Variant Classification Process June 2021. Collection method: clinical testing. Allele origin: germline. Affected: yes. Not counted in ClinVar's aggregate classification.

Breakthrough Genomics
Classification: Likely benign. Review status: criteria provided, single submitter. Criteria: ACMG Guidelines, 2015. Collection method: not provided. Allele origin: germline. Inheritance: Autosomal dominant inheritance. Affected: yes. Not counted in ClinVar's aggregate classification.

Center for Genomics, Ann and Robert H. Lurie Children's Hospital of Chicago
Classification: Likely benign for Noonan syndrome 4; Fibromatosis, gingival, 1. Review status: criteria provided, single submitter. Criteria: ACMG Guidelines, 2015. Collection method: clinical testing. Allele origin: germline. Not counted in ClinVar's aggregate classification.
Comment: SOS1 NM_005633.3 exon 10 p.Leu569Val (c.1705C>G): This variant has not been reported in the literature but is present in 0.02% (16/64516) of European alleles in the Genome Aggregation Database. This variant is also present in ClinVar, with several labs classifying this variant as bening or likely benign, including the RASopathy Expert Panel (Variation ID:40686). Evolutionary conservation and computational predictive tools for this variant are unclear. In summary, data on this variant suggests that this variant does not cause disease, but requires further evidence. Therefore this variant is classified as likely benign.

PreventionGenetics, part of Exact Sciences
Classification: Benign for SOS1-related condition. Last evaluated: 2019-06-10. Review status: no assertion criteria provided. Collection method: clinical testing. Allele origin: germline. Not counted in ClinVar's aggregate classification.
Comment: This variant is classified as benign based on ACMG/AMP sequence variant interpretation guidelines (Richards et al. 2015 PMID: 25741868, with internal and published modifications).

Diagnostic Laboratory, Department of Genetics, University Medical Center Groningen
Classification: Likely benign. Review status: no assertion criteria provided. Collection method: clinical testing. Allele origin: germline. Affected: yes. Study: VKGL Data-share Consensus. Not counted in ClinVar's aggregate classification.

Joint Genome Diagnostic Labs from Nijmegen and Maastricht, Radboudumc and MUMC+
Classification: Likely benign. Review status: no assertion criteria provided. Collection method: clinical testing. Allele origin: germline. Affected: yes. Study: VKGL Data-share Consensus. Not counted in ClinVar's aggregate classification.

Literature cited by the submitters: PubMed 19953625 (cited by Athena Diagnostics); PubMed 21387466 (cited by Athena Diagnostics and Laboratory for Molecular Medicine, Mass General Brigham Personalized Medicine).

NM_005633.4(SOS1):c.1705C>G (p.Leu569Val)

Gene: SOS1 (SOS Ras/Rac guanine nucleotide exchange factor 1; minus strand). Cytogenetic location: 2p22.1.
Variant type: single nucleotide variant.
Coding change: c.1705C>G on transcript NM_005633.4 (MANE Select); coding-DNA position 1705, C replaced by G.
Protein change: p.Leu569Val; replaces leucine 569 with valine.
Molecular consequence: missense variant.
Genome position (GRCh38, 1-based): chr2:39,022,723, G>C on the plus strand (C>G on the coding strand, the complement: SOS1 is on the minus strand). VCF-style: chr2-39022723-G-C. GRCh37 (hg19) VCF-style: chr2-39249864-G-C.
Other names: NM_005633.3(SOS1):c.1705C>G; c.1684C>G, p.Leu562Val (NM_001382394.1); c.1705C>G, p.Leu569Val (NM_001382395.1); short protein forms L569V, L562V.
Identifiers: ClinVar variation 40686 (VCV000040686.41), dbSNP rs200786705, ClinGen allele CA1624560.